The following is an entry in ClinVar:

ClinVar aggregate classification (germline): Uncertain significance. Review status: criteria provided, multiple submitters, no conflicts (2 of 4 stars). 2 submissions from 2 submitters: Uncertain significance (2). Last evaluated 2024-05-11.

Conditions:
Epidermolysis bullosa simplex 7, with nephropathy and deafness. Also called: Nephrotic syndrome - deafness - pretibial epidermolysis bullosa syndrome; Nephropathy with Pretibial Epidermolysis Bullosa and Deafness. Identifiers: Orphanet 300333, MedGen C1836823, MONDO:0012190, OMIM 609057.
RAPH BLOOD GROUP SYSTEM. Also called: MER2 BLOOD CELL ANTIGEN EXPRESSION. Identifiers: MedGen C1867341, OMIM 179620.

Allele frequency attached by ClinVar (database versions not stated): gnomAD exomes 0.00001; ExAC 0.00002; gnomAD 0.00003; TOPMed 0.00003; ESP Exome Variant Server 0.00008.
gnomAD v4.1: 9 of 1,613,116 alleles (0.00056%); highest among the groups gnomAD compares: African/African-American, 0.012%; no homozygotes.

Submissions (2):

Fulgent Genetics
Classification: Uncertain significance for RAPH BLOOD GROUP SYSTEM; Epidermolysis bullosa simplex 7, with nephropathy and deafness. Last evaluated: 2024-05-11. Review status: criteria provided, single submitter. Criteria: ACMG Guidelines, 2015. Collection method: clinical testing. Allele origin: germline.

Labcorp Genetics (formerly Invitae), Labcorp
Classification: Uncertain significance. Last evaluated: 2023-01-26. Review status: criteria provided, single submitter. Criteria: Invitae Variant Classification Sherloc (09022015). Collection method: clinical testing. Allele origin: germline.
Comment: In summary, the available evidence is currently insufficient to determine the role of this variant in disease. Therefore, it has been classified as a Variant of Uncertain Significance. Algorithms developed to predict the effect of sequence changes on RNA splicing suggest that this variant may create or strengthen a splice site. This variant has not been reported in the literature in individuals affected with CD151-related conditions. This variant is present in population databases (rs146967048, gnomAD 0.01%). This sequence change affects codon 243 of the CD151 mRNA. It is a 'silent' change, meaning that it does not change the encoded amino acid sequence of the CD151 protein.

NM_004357.5(CD151):c.729C>T (p.Cys243=)

Gene: CD151 (CD151 molecule (Raph blood group); plus strand). Cytogenetic location: 11p15.5.
Variant type: single nucleotide variant.
Coding change: c.729C>T on transcript NM_004357.5 (MANE Select); coding-DNA position 729, C replaced by T.
Protein change: p.Cys243=; no amino-acid change (cysteine 243 retained).
Molecular consequence: synonymous variant.
Genome position (GRCh38, 1-based): chr11:838,159, C>T. VCF-style: chr11-838159-C-T. GRCh37 (hg19) VCF-style: chr11-838159-C-T.
Other names: c.729C>T, p.Cys243= (NM_001039490.2, NM_139029.2, NM_139030.4).
Identifiers: ClinVar variation 2883376 (VCV002883376.4), dbSNP rs146967048, ClinGen allele CA5792367.
Genomic context (GRCh38, chr11:838,159, plus strand): 5'-ACGTCTGCTTACGCCCACCCGGCTCTGCACACAGGTCTTTGGCATGATCTTCACGTGCTG[C>T]CTGTACAGGAGTCTCAAGCTGGAGCACTACTGACCCTGCCTTGGGCCTTGCTGCTGCTGC-3'
Protein context (NP_004348.2, residues 233-253): VQVFGMIFTC[Cys243=]LYRSLKLEHY